The following is an entry in ClinVar:

NM_001009944.3(PKD1):c.9398-2A>C

Gene: PKD1 (polycystin 1, transient receptor potential channel interacting; minus strand). Cytogenetic location: 16p13.3.
Variant type: single nucleotide variant.
Coding change: c.9398-2A>C on transcript NM_001009944.3 (MANE Select); the canonical splice acceptor site of the intron before coding-DNA position 9398, A replaced by C.
Molecular consequence: splice acceptor variant.
Genome position (GRCh38, 1-based): chr16:2,100,568, T>G on the plus strand (A>C on the coding strand, the complement: PKD1 is on the minus strand). VCF-style: chr16-2100568-T-G. GRCh37 (hg19) VCF-style: chr16-2150569-T-G.
Other names: c.9398-2A>C (NM_000296.4).
Identifiers: ClinVar variation 4531548 (VCV004531548.1).

ClinVar aggregate classification (germline): Pathogenic (1 of 4 stars; one submission).

Conditions:
Polycystic kidney disease, adult type (PKD1). Also called: Polycystic Kidney, Autosomal Dominant; POLYCYSTIC KIDNEY DISEASE, ADULT, TYPE I; Polycystic Kidney Disease 1, Autosomal Dominant; Polycystic kidney disease 1; Polycystic kidney disease 1, severe; POLYCYSTIC KIDNEY DISEASE 1 WITH OR WITHOUT POLYCYSTIC LIVER DISEASE. Identifiers: MedGen C3149841, MONDO:0008263, OMIM 173900.

Submission:

Victorian Clinical Genetics Services, Murdoch Childrens Research Institute
Classification: Pathogenic for Polycystic kidney disease, adult type. Last evaluated: 2025-08-29. Review status: criteria provided, single submitter. Criteria: ACMG Guidelines, 2015. Collection method: clinical testing. Allele origin: germline. Affected: yes.
Comment: This variant is classified as Pathogenic. Evidence in support of pathogenic classification: Canonical splice site variant without proven consequence on splicing (no functional evidence available); Variant is absent from gnomAD (v2, v3 and v4); Other canonical splice site variants comparable to the one identified in this case have strong previous evidence for pathogenicity. c.9398-2A>G, c.9398-1G>C and c.9398-1G>A have been classified as likely pathogenic and pathogenic by multiple clinical laboratories in ClinVar, and reported in the literature in individuals with polycystic kidney disease (PMID: 30927425, 33437033, 26150605); Abnormal splicing is predicted by in silico tool and affected nucleotide is highly conserved. Additional information: This variant is heterozygous; This gene is associated with autosomal dominant disease. Polycystic kidney disease 1 (MIM#173900) is predominantly caused by monoallelic variants, with rare reports of biallelic variants causing disease (OMIM) - This variant has no previous evidence of pathogenicity; No published evidence of segregation with disease has been identified for this variant; No published functional evidence has been identified for this variant; Loss of function is a known mechanism of disease in this gene and is associated with polycystic kidney disease 1 (MIM#173900); Inheritance information for this variant is not currently available in this individual.

Literature cited by the submitters: PubMed 30927425; PubMed 26150605; PubMed 33437033.